The following is an entry in ClinVar:

ClinVar aggregate classification (germline): Likely pathogenic (1 of 4 stars; one submission).

Conditions:
Peripheral neuropathy, autosomal recessive, with or without impaired intellectual development. Identifiers: MedGen C4748283, MONDO:0029131, OMIM 618124.

gnomAD v4.1: 1 of 1,561,678 alleles (0.000064%); highest among the groups gnomAD compares: Non-Finnish European, 0.000087%; no homozygotes.

Submission:

Greenwood Genetic Center Diagnostic Laboratories, Greenwood Genetic Center
Classification: Likely pathogenic for Peripheral neuropathy, autosomal recessive, with or without impaired intellectual development. Last evaluated: 2025-06-11. Review status: criteria provided, single submitter. Criteria: ACMG Guidelines, 2015. Collection method: clinical testing. Allele origin: germline. Affected: yes.
Comment: PVS1, PM2

NM_003906.5(MCM3AP):c.1668-1G>C

Gene: MCM3AP (minichromosome maintenance complex component 3 associated protein; minus strand). Cytogenetic location: 21q22.3.
Variant type: single nucleotide variant.
Coding change: c.1668-1G>C on transcript NM_003906.5 (MANE Select); the canonical splice acceptor site of the intron before coding-DNA position 1668, G replaced by C.
Molecular consequence: splice acceptor variant.
Genome position (GRCh38, 1-based): chr21:46,277,718, C>G on the plus strand (G>C on the coding strand, the complement: MCM3AP is on the minus strand). VCF-style: chr21-46277718-C-G. GRCh37 (hg19) VCF-style: chr21-47697632-C-G.
Identifiers: ClinVar variation 4538304 (VCV004538304.1).
Genomic context (GRCh38, chr21:46,277,718, plus strand): 5'-TCAAAAGAGTCTCCCTCGAATTGGTGGGCCTTTAGAAGACTTGGCTTCTTCACTGGAGAG[C>G]TATAAAGTAAACACCACACTGAGGGCCCTCGTCCCAGGAAGGCCTTCAGAGCATTTTCAT-3'